The following is an entry in ClinVar:

NM_172364.5(CACNA2D4):c.3066_3067delinsAA (p.Ala1023Thr)

Gene: CACNA2D4 (calcium voltage-gated channel auxiliary subunit alpha2delta 4; minus strand). Cytogenetic location: 12p13.33.
Variant type: Indel.
Coding change: c.3066_3067delinsAA on transcript NM_172364.5 (MANE Select); coding-DNA positions 3066 to 3067, GG replaced by AA.
Protein change: p.Ala1023Thr; replaces alanine 1023 with threonine.
Molecular consequence: missense variant.
Genome position (GRCh38, 1-based): chr12:1,797,464-1,797,465, CC replaced by TT on the plus strand (GG replaced by AA on the coding strand, the reverse complement: CACNA2D4 is on the minus strand). VCF-style: chr12-1797464-CC-TT. GRCh37 (hg19) VCF-style: chr12-1906630-CC-TT.
Other names: short protein forms A1023T.
Identifiers: ClinVar variation 1014995 (VCV001014995.8), dbSNP rs1863166292, ClinGen allele CA2012153658.

ClinVar aggregate classification (germline): Uncertain significance (1 of 4 stars; one submission).

Submission:

Labcorp Genetics (formerly Invitae), Labcorp
Classification: Uncertain significance. Last evaluated: 2024-09-23. Review status: criteria provided, single submitter. Criteria: Invitae Variant Classification Sherloc (09022015). Collection method: clinical testing. Allele origin: germline.
Comment: This sequence change replaces alanine, which is neutral and non-polar, with threonine, which is neutral and polar, at codon 1023 of the CACNA2D4 protein (p.Ala1023Thr). Information on the frequency of this variant in the gnomAD database is not available, as this variant may be reported differently in the database. This variant has not been reported in the literature in individuals affected with CACNA2D4-related conditions. ClinVar contains an entry for this variant (Variation ID: 1014995). Experimental studies and prediction algorithms are not available or were not evaluated, and the functional significance of this variant is currently unknown. In summary, the available evidence is currently insufficient to determine the role of this variant in disease. Therefore, it has been classified as a Variant of Uncertain Significance.